The following is an entry in ClinVar:

NM_002381.5(MATN3):c.1315C>A (p.Leu439Ile)

Genes: MATN3 (matrilin 3; minus strand), WDR35-DT (WDR35 divergent transcript; plus strand). Cytogenetic location: 2p24.1.
Variant type: single nucleotide variant.
Coding change: c.1315C>A on transcript NM_002381.5 (MANE Select); coding-DNA position 1315, C replaced by A.
Protein change: p.Leu439Ile; replaces leucine 439 with isoleucine.
Molecular consequence: missense variant.
Genome position (GRCh38, 1-based): chr2:19,994,389, G>T on the plus strand (C>A on the coding strand, the complement: MATN3 is on the minus strand). VCF-style: chr2-19994389-G-T. GRCh37 (hg19) VCF-style: chr2-20194150-G-T.
Other names: short protein forms L439I.
Identifiers: ClinVar variation 2081950 (VCV002081950.4), dbSNP rs2527683652, ClinGen allele CA345949109.
Genomic context (GRCh38, chr2:19,994,389, plus strand): 5'-TGACCTTGTCCTGGAATGCCAGTGTAGCTTCACATCCACAAGCATCTTCAGTGGAAACAA[G>T]TCTTCGTGCTTCCTCAGTGGCTGAAGACAATGACAGTACACAAATATACTATCTAGGAAT-3'
Protein context (NP_002372.1, residues 429-449): TCSATEEARR[Leu439Ile]VSTEDACGCE

ClinVar aggregate classification (germline): Uncertain significance (1 of 4 stars; one submission).

Submission:

Labcorp Genetics (formerly Invitae), Labcorp
Classification: Uncertain significance. Last evaluated: 2023-08-11. Review status: criteria provided, single submitter. Criteria: Invitae Variant Classification Sherloc (09022015). Collection method: clinical testing. Allele origin: germline.
Comment: This variant has not been reported in the literature in individuals affected with MATN3-related conditions. In summary, the available evidence is currently insufficient to determine the role of this variant in disease. Therefore, it has been classified as a Variant of Uncertain Significance. An algorithm developed to predict the effect of missense changes on protein structure and function (PolyPhen-2) suggests that this variant is likely to be disruptive. ClinVar contains an entry for this variant (Variation ID: 2081950). This variant is not present in population databases (gnomAD no frequency). This sequence change replaces leucine, which is neutral and non-polar, with isoleucine, which is neutral and non-polar, at codon 439 of the MATN3 protein (p.Leu439Ile).